The following is an entry in ClinVar:

NM_139076.3(ABRAXAS1):c.1213C>T (p.Arg405Trp)

Gene: ABRAXAS1 (abraxas 1, BRCA1 A complex subunit; minus strand). Cytogenetic location: 4q21.23.
Variant type: single nucleotide variant.
Coding change: c.1213C>T on transcript NM_139076.3 (MANE Select); coding-DNA position 1213, C replaced by T.
Protein change: p.Arg405Trp; replaces arginine 405 with tryptophan.
Molecular consequence: missense variant.
Genome position (GRCh38, 1-based): chr4:83,462,486, G>A on the plus strand (C>T on the coding strand, the complement: ABRAXAS1 is on the minus strand). VCF-style: chr4-83462486-G-A. GRCh37 (hg19) VCF-style: chr4-84383639-G-A.
Other names: c.886C>T, p.Arg296Trp (NM_001345962.2); c.1213C>T (NM_139076.2); short protein forms R296W, R405W.
Identifiers: ClinVar variation 999135 (VCV000999135.11), dbSNP rs748616526, ClinGen allele CA2990355.

ClinVar aggregate classification (germline): Uncertain significance. Review status: criteria provided, multiple submitters, no conflicts (2 of 4 stars). 3 submissions from 3 submitters: Uncertain significance (3). Last evaluated 2025-02-28.

Allele frequency attached by ClinVar (database versions not stated): ExAC 0.00001; gnomAD 0.00001 and 0.00002; TOPMed 0.00002.

Submissions (3):

Ambry Genetics
Classification: Uncertain significance. Last evaluated: 2025-02-28. Review status: criteria provided, single submitter. Criteria: Ambry Variant Classification Scheme 2023. Collection method: clinical testing. Allele origin: germline.
Comment: The p.R405W variant (also known as c.1213C>T), located in coding exon 9 of the FAM175A gene, results from a C to T substitution at nucleotide position 1213. The arginine at codon 405 is replaced by tryptophan, an amino acid with dissimilar properties. This amino acid position is conserved. In addition, this alteration is predicted to be tolerated by in silico analysis. Since supporting evidence is limited at this time, the clinical significance of this alteration remains unclear.

Labcorp Genetics (formerly Invitae), Labcorp
Classification: Uncertain significance. Last evaluated: 2023-07-30. Review status: criteria provided, single submitter. Criteria: Invitae Variant Classification Sherloc (09022015). Collection method: clinical testing. Allele origin: germline.
Comment: In summary, the available evidence is currently insufficient to determine the role of this variant in disease. Therefore, it has been classified as a Variant of Uncertain Significance. An algorithm developed to predict the effect of missense changes on protein structure and function (PolyPhen-2) suggests that this variant is likely to be disruptive. ClinVar contains an entry for this variant (Variation ID: 999135). This variant has not been reported in the literature in individuals affected with ABRAXAS1-related conditions. This variant is present in population databases (rs748616526, gnomAD 0.008%). This sequence change replaces arginine, which is basic and polar, with tryptophan, which is neutral and slightly polar, at codon 405 of the ABRAXAS1 protein (p.Arg405Trp).

Breakthrough Genomics
Classification: Uncertain significance. Review status: criteria provided, single submitter. Criteria: ACMG Guidelines, 2015. Collection method: not provided. Allele origin: germline. Inheritance: Unknown mechanism. Affected: yes.